The following is an entry in ClinVar:

ClinVar aggregate classification (germline): Uncertain significance (1 of 4 stars; one submission).

Submission:

GeneDx
Classification: Uncertain significance. Last evaluated: 2024-09-16. Review status: criteria provided, single submitter. Criteria: GeneDx Variant Classification Process June 2021. Collection method: clinical testing. Allele origin: germline. Affected: yes.
Comment: Not observed at significant frequency in large population cohorts (gnomAD); In silico analysis supports that this missense variant has a deleterious effect on protein structure/function; Has not been previously published as pathogenic or benign to our knowledge

NM_005257.6(GATA6):c.497C>T (p.Pro166Leu)

Gene: GATA6 (GATA binding protein 6; plus strand). Cytogenetic location: 18q11.2.
Variant type: single nucleotide variant.
Coding change: c.497C>T on transcript NM_005257.6 (MANE Select); coding-DNA position 497, C replaced by T.
Protein change: p.Pro166Leu; replaces proline 166 with leucine.
Molecular consequence: missense variant.
Genome position (GRCh38, 1-based): chr18:22,171,641, C>T. VCF-style: chr18-22171641-C-T. GRCh37 (hg19) VCF-style: chr18-19751602-C-T.
Other names: short protein forms P166L.
Identifiers: ClinVar variation 3770079 (VCV003770079.1).